The following is an entry in ClinVar:

ClinVar aggregate classification (germline): Uncertain significance (1 of 4 stars; one submission).

Allele frequency attached by ClinVar (database versions not stated): gnomAD exomes 0.00001; TOPMed 0.00002; gnomAD 0.00003.
gnomAD v4.1: 17 of 1,613,158 alleles (0.0011%); highest among the groups gnomAD compares: Non-Finnish European, 0.0014%; no homozygotes.

Submission:

Labcorp Genetics (formerly Invitae), Labcorp
Classification: Uncertain significance. Last evaluated: 2022-08-20. Review status: criteria provided, single submitter. Criteria: Invitae Variant Classification Sherloc (09022015). Collection method: clinical testing. Allele origin: germline.
Comment: This sequence change replaces isoleucine, which is neutral and non-polar, with threonine, which is neutral and polar, at codon 701 of the MPDZ protein (p.Ile701Thr). This variant is present in population databases (no rsID available, gnomAD 0.0008%). This variant has not been reported in the literature in individuals affected with MPDZ-related conditions. Algorithms developed to predict the effect of missense changes on protein structure and function are either unavailable or do not agree on the potential impact of this missense change (SIFT: "Deleterious"; PolyPhen-2: "Benign"; Align-GVGD: "Class C65"). In summary, the available evidence is currently insufficient to determine the role of this variant in disease. Therefore, it has been classified as a Variant of Uncertain Significance.

NM_001378778.1(MPDZ):c.2102T>C (p.Ile701Thr)

Gene: MPDZ (multiple PDZ domain crumbs cell polarity complex component; minus strand). Cytogenetic location: 9p23.
Variant type: single nucleotide variant.
Coding change: c.2102T>C on transcript NM_001378778.1 (MANE Select); coding-DNA position 2102, T replaced by C.
Protein change: p.Ile701Thr; replaces isoleucine 701 with threonine.
Molecular consequence: missense variant.
Genome position (GRCh38, 1-based): chr9:13,190,166, A>G on the plus strand (T>C on the coding strand, the complement: MPDZ is on the minus strand). VCF-style: chr9-13190166-A-G. GRCh37 (hg19) VCF-style: chr9-13190165-A-G.
Other names: c.2102T>C, p.Ile701Thr (NM_001261406.2, NM_001261407.2, NM_001330637.2 and 14 more transcripts); short protein forms I701T.
Identifiers: ClinVar variation 2071480 (VCV002071480.1), dbSNP rs1489383330, ClinGen allele CA372938501.